The following is an entry in ClinVar:

ClinVar aggregate classification (germline): Conflicting classifications of pathogenicity. Review status: criteria provided, conflicting classifications (1 of 4 stars). 9 submissions from 9 submitters: Uncertain significance (4); Likely benign (3). 2 of the submissions do not count toward it. Last evaluated 2026-03-26.

Conditions:
NEB-related disorder. Also called: NEB-related condition; NEB-Related Disorders.
Inborn genetic diseases. Identifiers: MedGen C0950123, MeSH D030342.
Limb-girdle muscular dystrophy (LGMD). Also called: Muscular Dystrophies, Limb-Girdle. Identifiers: Orphanet 263, MedGen C0686353, MeSH D049288, MONDO:0016971, HP:0006785.
Nemaline myopathy 2 (NEM2). Also called: Nemaline myopathy 2, autosomal recessive. Identifiers: MedGen C1850569, MONDO:0009725, OMIM 256030.

Allele frequency attached by ClinVar (database versions not stated): gnomAD exomes 0.00030 and 0.00017; ESP Exome Variant Server 0.00092; gnomAD 0.00096 and 0.00106; TOPMed 0.00116; ExAC 0.00036; 1000 Genomes Project 0.00100; 1000 Genomes Project 30x 0.00109.
gnomAD v4.1: 408 of 1,613,902 alleles (0.025%); highest among the groups gnomAD compares: African/African-American, 0.37%; no homozygotes.

Submissions (9):

Ambry Genetics
Classification: Uncertain significance for Inborn genetic diseases. Last evaluated: 2026-03-26. Review status: criteria provided, single submitter. Criteria: Ambry Variant Classification Scheme 2023. Collection method: clinical testing. Allele origin: germline.

Labcorp Genetics (formerly Invitae), Labcorp
Classification: Likely benign for Nemaline myopathy 2. Last evaluated: 2026-01-28. Review status: criteria provided, single submitter. Criteria: Invitae Variant Classification Sherloc (09022015). Collection method: clinical testing. Allele origin: germline.

Women's Health and Genetics/Laboratory Corporation of America, LabCorp
Classification: Likely benign. Last evaluated: 2025-10-09. Review status: criteria provided, single submitter. Criteria: LabCorp Variant Classification Summary - May 2015. Collection method: clinical testing. Allele origin: germline.
Comment: Variant summary: NEB c.8719G>A (p.Gly2907Ser) results in a non-conservative amino acid change in the encoded protein sequence. Algorithms developed to predict the effect of missense changes on protein structure and function all suggest that this variant is likely to be disruptive. The variant allele was found at a frequency of 0.0003 in 249012 control chromosomes, predominantly at a frequency of 0.0037 within the African or African-American subpopulation in the gnomAD database. The observed variant frequency within African or African-American control individuals in the gnomAD database exceeds the estimated maximal expected allele frequency for disease-causing variants in NEB. To our knowledge, no occurrence of c.8719G>A in individuals affected with NEB-related conditions and no experimental evidence demonstrating its impact on protein function have been reported. ClinVar contains an entry for this variant (Variation ID: 198321). Based on the evidence outlined above, the variant was classified as likely benign.

Mayo Clinic Laboratories, Mayo Clinic
Classification: Uncertain significance. Last evaluated: 2025-03-31. Review status: criteria provided, single submitter. Criteria: ACMG Guidelines, 2015. Collection method: clinical testing. Allele origin: germline. Observed: 1 variant allele.

Cambridge Genomics Laboratory, East Genomic Laboratory Hub, NHS Genomic Medicine Service
Classification: Uncertain significance for Limb-girdle muscular dystrophy. Last evaluated: 2019-08-28. Review status: criteria provided, single submitter. Criteria: ACGS Best Practice Guidelines for Variant Classification in Rare Disease 2020. Collection method: clinical testing. Allele origin: germline. Affected: yes. Observed: 1 variant allele.

GeneDx
Classification: Likely benign. Last evaluated: 2019-03-21. Review status: criteria provided, single submitter. Criteria: GeneDx Variant Classification Process June 2021. Collection method: clinical testing. Allele origin: germline. Affected: yes.

Eurofins Ntd Llc (ga)
Classification: Uncertain significance. Last evaluated: 2014-09-12. Review status: criteria provided, single submitter. Criteria: EGL Classification Definitions 2015. Collection method: clinical testing. Allele origin: germline.

PreventionGenetics, part of Exact Sciences
Classification: Likely benign for NEB-related condition. Last evaluated: 2023-05-23. Review status: no assertion criteria provided. Collection method: clinical testing. Allele origin: germline. Not counted in ClinVar's aggregate classification.
Comment: This variant is classified as likely benign based on ACMG/AMP sequence variant interpretation guidelines (Richards et al. 2015 PMID: 25741868, with internal and published modifications).

Natera, Inc.
Classification: Uncertain significance for Nemaline myopathy type 2. Last evaluated: 2020-01-24. Review status: no assertion criteria provided. Collection method: clinical testing. Allele origin: germline. Not counted in ClinVar's aggregate classification.

NM_001164508.2(NEB):c.8719G>A (p.Gly2907Ser)

Gene: NEB (nebulin; minus strand). Cytogenetic location: 2q23.3.
Variant type: single nucleotide variant.
Coding change: c.8719G>A on transcript NM_001164508.2 (MANE Select); coding-DNA position 8719, G replaced by A.
Protein change: p.Gly2907Ser; replaces glycine 2907 with serine.
Molecular consequence: missense variant.
Genome position (GRCh38, 1-based): chr2:151,640,027, C>T on the plus strand (G>A on the coding strand, the complement: NEB is on the minus strand). VCF-style: chr2-151640027-C-T. GRCh37 (hg19) VCF-style: chr2-152496541-C-T.
Other names: p.Gly2907Ser; c.8719G>A, p.Gly2907Ser (NM_001164507.2, NM_001271208.2, NM_004543.5); c.8719G>A (NM_004543.4); short protein forms G2907S.
Identifiers: ClinVar variation 198321 (VCV000198321.29), dbSNP rs201707021, ClinGen allele CA246904.